The following is an entry in ClinVar:

ClinVar aggregate classification (germline): Likely benign. Review status: criteria provided, multiple submitters, no conflicts (2 of 4 stars). 2 submissions from 2 submitters: Likely benign (2). Last evaluated 2024-03-01.

Allele frequency attached by ClinVar (database versions not stated): gnomAD 0.00025; TOPMed 0.00031; ESP Exome Variant Server 0.00038.
gnomAD v4.1: 276 of 1,614,190 alleles (0.017%); highest among the groups gnomAD compares: Admixed American, 0.03%; 1 homozygote.

Submissions (2):

CeGaT Center for Human Genetics Tuebingen
Classification: Likely benign. Last evaluated: 2024-03-01. Review status: criteria provided, single submitter. Criteria: CeGaT Center For Human Genetics Tuebingen Variant Classification Criteria Version 2. Collection method: clinical testing. Allele origin: germline. Affected: yes. Observed: 1 variant allele.
Comment: ZNF225: BP4, BS2

Ambry Genetics
Classification: Likely benign. Last evaluated: 2022-01-03. Review status: criteria provided, single submitter. Criteria: Ambry Variant Classification Scheme 2023. Collection method: clinical testing. Allele origin: germline.

NM_013362.4(ZNF225):c.935G>A (p.Arg312Gln)

Gene: ZNF225 (zinc finger protein 225; plus strand). Cytogenetic location: 19q13.31.
Variant type: single nucleotide variant.
Coding change: c.935G>A on transcript NM_013362.4 (MANE Select); coding-DNA position 935, G replaced by A.
Protein change: p.Arg312Gln; replaces arginine 312 with glutamine.
Molecular consequence: missense variant.
Genome position (GRCh38, 1-based): chr19:44,131,549, G>A. VCF-style: chr19-44131549-G-A. GRCh37 (hg19) VCF-style: chr19-44635702-G-A.
Other names: c.935G>A, p.Arg312Gln (NM_001321685.2); short protein forms R312Q.
Identifiers: ClinVar variation 2411265 (VCV002411265.23), dbSNP rs200227995, ClinGen allele CA9496508.
Genomic context (GRCh38, chr19:44,131,549, plus strand): 5'-TATGTTGTAAGAGCTTCCGTAGTAGAGCAAATCTTAATAGGCATTCCATGGTTCACATGC[G>A]AGAGAAACCATTCAGATGTGATACATGTGGTAAGAGCTTTGGTCTGAAATCAGCACTTAA-3'
Protein context (NP_037494.2, residues 302-322): NLNRHSMVHM[Arg312Gln]EKPFRCDTCG